The following is an entry in ClinVar:

ClinVar aggregate classification (germline): Uncertain significance (1 of 4 stars; one submission).

gnomAD v4.1: 1 of 1,613,468 alleles (0.000062%); highest among the groups gnomAD compares: Non-Finnish European, 0.000085%; no homozygotes.

Submission:

GeneDx
Classification: Uncertain significance. Last evaluated: 2025-06-12. Review status: criteria provided, single submitter. Criteria: GeneDx Variant Classification Process June 2021. Collection method: clinical testing. Allele origin: germline. Affected: yes.
Comment: Not observed at significant frequency in large population cohorts (gnomAD); In silico analysis supports that this missense variant has a deleterious effect on protein structure/function; This variant is associated with the following publications: (PMID: 24125834, 31402444)

NM_024422.6(DSC2):c.287T>C (p.Ile96Thr)

Gene: DSC2 (desmocollin 2; minus strand). Cytogenetic location: 18q12.1.
Variant type: single nucleotide variant.
Coding change: c.287T>C on transcript NM_024422.6 (MANE Select); coding-DNA position 287, T replaced by C.
Protein change: p.Ile96Thr; replaces isoleucine 96 with threonine.
Molecular consequence: missense variant. On other transcripts: 5 prime UTR variant (2).
Genome position (GRCh38, 1-based): chr18:31,092,168, A>G on the plus strand (T>C on the coding strand, the complement: DSC2 is on the minus strand). VCF-style: chr18-31092168-A-G. GRCh37 (hg19) VCF-style: chr18-28672131-A-G.
Other names: c.-143T>C (NM_001406506.1, NM_001406507.1); c.287T>C, p.Ile96Thr (NM_004949.5); short protein forms I96T.
Identifiers: ClinVar variation 4538171 (VCV004538171.1).